The following is an entry in ClinVar:

NC_000017.11:g.(?_58703196)_(58734342_?)del

Genes: RAD51C (RAD51 paralog C; plus strand), LOC129390903 (MPRA-validated peak2919 silencer; plus strand), LOC130061311 (ATAC-STARR-seq lymphoblastoid active region 12492; plus strand). Cytogenetic location: 17q22.
Variant type: Deletion.
Identifiers: ClinVar variation 220726 (VCV000220726.1).

ClinVar aggregate classification (germline): Pathogenic (1 of 4 stars; one submission).

Conditions:
Fanconi anemia complementation group O. Also called: RAD51C-Related Fanconi Anemia. Identifiers: Orphanet 84, MedGen C3150653, MONDO:0013248, OMIM 613390.

Submission:

Labcorp Genetics (formerly Invitae), Labcorp
Classification: Pathogenic for Fanconi anemia complementation group O. Last evaluated: 2016-11-18. Review status: criteria provided, single submitter. Criteria: Invitae Variant Classification Sherloc (09022015). Collection method: clinical testing. Allele origin: germline.
Comment: This variant is a gross deletion of the genomic region encompassing exons 4-9 of the RAD51C gene. The 5' boundary is likely confined to intron 3. The 3' end of this event is unknown as it extends through the termination codon beyond the assayed region for this gene and may encompass additional genes. While this deletion is not anticipated to result in nonsense mediated decay, it is expected to create a truncated RAD51C protein. While this particular variant has not been reported in the literature, loss-of-function variants in RAD51C are known to be pathogenic (PMID: 20400964, 21990120, 24800917). In addition, deletion of exons 5-9 has been reported in individuals affected with breast and ovarian cancer (PMID: 24359560). This deletion eliminates ~50% of the amino acid sequence encoded by RAD51C, resulting in the loss of C-terminal regions of the protein that are known to be involved in complex formation and proper nuclear localization of the RAD51C protein (PMID: 14704354, 12966089). For these reasons, this variant has been classified as Pathogenic.